The following is an entry in ClinVar:

ClinVar aggregate classification (germline): Likely benign. Review status: criteria provided, multiple submitters, no conflicts (2 of 4 stars). 2 submissions from 2 submitters: Likely benign (2). Last evaluated 2026-02-01.

Allele frequency attached by ClinVar (database versions not stated): gnomAD exomes below 0.00001 and 0.00001; gnomAD 0.00001; TOPMed 0.00003.
gnomAD v4.1: 23 of 1,612,772 alleles (0.0014%); highest among the groups gnomAD compares: East Asian, 0.0045%; no homozygotes.

Submissions (2):

CeGaT Center for Human Genetics Tuebingen
Classification: Likely benign. Last evaluated: 2026-02-01. Review status: criteria provided, single submitter. Criteria: CeGaT Center For Human Genetics Tuebingen Variant Classification Criteria Version 2. Collection method: clinical testing. Allele origin: germline. Affected: yes. Observed: 2 variant alleles.
Comment: MYT1L: BP4, BP7

Labcorp Genetics (formerly Invitae), Labcorp
Classification: Likely benign. Last evaluated: 2018-10-23. Review status: criteria provided, single submitter. Criteria: Invitae Variant Classification Sherloc (09022015). Collection method: clinical testing. Allele origin: germline.

NM_001303052.2(MYT1L):c.2877C>T (p.Cys959=)

Gene: MYT1L (myelin transcription factor 1 like; minus strand). Cytogenetic location: 2p25.3.
Variant type: single nucleotide variant.
Coding change: c.2877C>T on transcript NM_001303052.2 (MANE Select); coding-DNA position 2877, C replaced by T.
Protein change: p.Cys959=; no amino-acid change (cysteine 959 retained).
Molecular consequence: synonymous variant.
Genome position (GRCh38, 1-based): chr2:1,839,352, G>A on the plus strand (C>T on the coding strand, the complement: MYT1L is on the minus strand). VCF-style: chr2-1839352-G-A. GRCh37 (hg19) VCF-style: chr2-1843124-G-A.
Other names: c.2877C>T, p.Cys959= (NM_001329844.2, NM_001329845.1, NM_001329851.3); c.2871C>T, p.Cys957= (NM_001329846.3, NM_001329847.2, NM_001329848.1 and 3 more transcripts).
Identifiers: ClinVar variation 793432 (VCV000793432.10), dbSNP rs1463837846, ClinGen allele CA424758029.